The following is an entry in ClinVar:

ClinVar aggregate classification (germline): Uncertain significance (1 of 4 stars; one submission).

Conditions:
Early-infantile DEE. Also called: Early infantile epileptic encephalopathy; Ohtahara syndrome; Early infantile epileptic encephalopathy with suppression bursts. Identifiers: Orphanet 1934, MedGen C0393706, MONDO:0800491.

Submission:

Labcorp Genetics (formerly Invitae), Labcorp
Classification: Uncertain significance for Early-infantile DEE. Last evaluated: 2025-04-19. Review status: criteria provided, single submitter. Criteria: Invitae Variant Classification Sherloc (09022015). Collection method: clinical testing. Allele origin: germline.
Comment: This sequence change replaces glycine, which is neutral and non-polar, with alanine, which is neutral and non-polar, at codon 467 of the SCN8A protein (p.Gly467Ala). This variant is not present in population databases (gnomAD no frequency). This variant has not been reported in the literature in individuals affected with SCN8A-related conditions. ClinVar contains an entry for this variant (Variation ID: 1392047). Invitae Evidence Modeling of protein sequence and biophysical properties (such as structural, functional, and spatial information, amino acid conservation, physicochemical variation, residue mobility, and thermodynamic stability) indicates that this missense variant is not expected to disrupt SCN8A protein function with a negative predictive value of 95%. In summary, the available evidence is currently insufficient to determine the role of this variant in disease. Therefore, it has been classified as a Variant of Uncertain Significance.

NM_001330260.2(SCN8A):c.1400G>C (p.Gly467Ala)

Gene: SCN8A (sodium voltage-gated channel alpha subunit 8; plus strand). Cytogenetic location: 12q13.13.
Variant type: single nucleotide variant.
Coding change: c.1400G>C on transcript NM_001330260.2 (MANE Select); coding-DNA position 1400, G replaced by C.
Protein change: p.Gly467Ala; replaces glycine 467 with alanine.
Molecular consequence: missense variant.
Genome position (GRCh38, 1-based): chr12:51,706,480, G>C. VCF-style: chr12-51706480-G-C. GRCh37 (hg19) VCF-style: chr12-52100264-G-C.
Other names: c.1400G>C, p.Gly467Ala (NM_001177984.3, NM_001369788.1, NM_014191.4); short protein forms G467A.
Identifiers: ClinVar variation 1392047 (VCV001392047.9), dbSNP rs1398266993, ClinGen allele CA385228721.